The following is an entry in ClinVar:

ClinVar aggregate classification (germline): Uncertain significance (1 of 4 stars; one submission).

Submission:

Dasa
Classification: Uncertain significance. Last evaluated: 2024-10-29. Review status: criteria provided, single submitter. Criteria: DASA Assertion Criteria. Collection method: clinical testing. Allele origin: germline.
Comment: NM_172362.3(KCNH1):c.192C>G (p.Ser64Arg) is a missense variant that results in the substitution of serine with arginine. This variant is absent from population databases. Computational prediction algorithms are consistent with a deleterious effect. The currently available literature and clinical evidence are not sufficient to establish a definitive association between this variant and the reported condition. Therefore, this variant is classified as a variant of uncertain significance.

NM_172362.3(KCNH1):c.192C>G (p.Ser64Arg)

Gene: KCNH1 (potassium voltage-gated channel subfamily H member 1; minus strand). Cytogenetic location: 1q32.2.
Variant type: single nucleotide variant.
Coding change: c.192C>G on transcript NM_172362.3 (MANE Select); coding-DNA position 192, C replaced by G.
Protein change: p.Ser64Arg; replaces serine 64 with arginine.
Molecular consequence: missense variant.
Genome position (GRCh38, 1-based): chr1:211,107,265, G>C on the plus strand (C>G on the coding strand, the complement: KCNH1 is on the minus strand). VCF-style: chr1-211107265-G-C. GRCh37 (hg19) VCF-style: chr1-211280607-G-C.
Other names: c.192C>G, p.Ser64Arg (NM_002238.4); short protein forms S64R.
Identifiers: ClinVar variation 4881700 (VCV004881700.2).